The following is an entry in ClinVar:

NM_001365951.3(KIF1B):c.970C>T (p.Arg324Trp)

Gene: KIF1B (kinesin family member 1B; plus strand). Cytogenetic location: 1p36.22.
Variant type: single nucleotide variant.
Coding change: c.970C>T on transcript NM_001365951.3 (MANE Select); coding-DNA position 970, C replaced by T.
Protein change: p.Arg324Trp; replaces arginine 324 with tryptophan.
Molecular consequence: missense variant.
Genome position (GRCh38, 1-based): chr1:10,276,332, C>T. VCF-style: chr1-10276332-C-T. GRCh37 (hg19) VCF-style: chr1-10336390-C-T.
Other names: c.970C>T, p.Arg324Trp (NM_001365952.1); c.952C>T, p.Arg318Trp (NM_001365953.1, NM_015074.3, NM_183416.4); short protein forms R318W, R324W.
Identifiers: ClinVar variation 1767278 (VCV001767278.4), dbSNP rs1413104442, ClinGen allele CA338332794.
Genomic context (GRCh38, chr1:10,276,332, plus strand): 5'-TTTTCTTCTAAAATGAGTGTGATTTGATACTCATGATTAATCTTTTTAGGTGGCAATTCT[C>T]GGACTGCAATGGTTGCTGCTCTGAGCCCCGCGGATATCAACTACGATGAGACTTTGAGCA-3'
Protein context (NP_001352880.1, residues 314-334): LLRENLGGNS[Arg324Trp]TAMVAALSPA

ClinVar aggregate classification (germline): Uncertain significance. Review status: criteria provided, multiple submitters, no conflicts (2 of 4 stars). 2 submissions from 2 submitters: Uncertain significance (2). Last evaluated 2025-10-30.

Allele frequency attached by ClinVar (database versions not stated): gnomAD 0.00001; gnomAD exomes 0.00001; TOPMed 0.00001.
gnomAD v4.1: 17 of 1,613,382 alleles (0.0011%); highest among the groups gnomAD compares: Middle Eastern, 0.016%; no homozygotes.

Submissions (2):

Ambry Genetics
Classification: Uncertain significance. Last evaluated: 2025-10-30. Review status: criteria provided, single submitter. Criteria: Ambry Variant Classification Scheme 2023. Collection method: clinical testing. Allele origin: germline.
Comment: The p.R318W variant (also known as c.952C>T), located in coding exon 10 of the KIF1B gene, results from a C to T substitution at nucleotide position 952. The arginine at codon 318 is replaced by tryptophan, an amino acid with dissimilar properties. This amino acid position is conserved. In addition, this alteration is predicted to be deleterious by in silico analysis. Since supporting evidence is limited at this time, the clinical significance of this alteration remains unclear.

Blueprint Genetics
Classification: Uncertain significance. Last evaluated: 2024-05-03. Review status: criteria provided, single submitter. Criteria: ACMG Guidelines, 2015. Collection method: clinical testing. Allele origin: germline.